The following is an entry in ClinVar:

NM_001127671.2(LIFR):c.3231_3232del (p.Ser1077_Pro1078insTer)

Gene: LIFR (LIF receptor subunit alpha; minus strand). Cytogenetic location: 5p13.1.
Variant type: Microsatellite.
Coding change: c.3231_3232del on transcript NM_001127671.2 (MANE Select); coding-DNA positions 3231 to 3232, 2 bases deleted (TC; older notation c.3231_3232delTC).
Protein change: p.Ser1077_Pro1078insTer.
Molecular consequence: frameshift variant.
Genome position (GRCh38, 1-based): chr5:38,481,657-38,481,658, GA deleted on the plus strand (TC on the coding strand, the reverse complement: LIFR is on the minus strand); deleting any 2 consecutive bases within chr5:38,481,657-38,481,661 gives the same sequence; the c. name uses the placement nearest the transcript's 3' end. VCF-style (leftmost placement, unchanged base first): chr5-38481656-GGA-G. GRCh37 (hg19) VCF-style: chr5-38481758-GGA-G.
Other names: c.3198_3199del, p.Ser1066_Pro1067insTer (NM_001364298.2); c.3231_3232del, p.Ser1077_Pro1078insTer (NM_002310.6, NM_001364297.2); c.3231_3232delTC (NM_002310.6).
Identifiers: ClinVar variation 1356601 (VCV001356601.7), dbSNP rs776513402, ClinGen allele CA3242484.

ClinVar aggregate classification (germline): Uncertain significance. Review status: criteria provided, multiple submitters, no conflicts (2 of 4 stars). 2 submissions from 2 submitters: Uncertain significance (2). Last evaluated 2024-04-02.

Submissions (2):

Women's Health and Genetics/Laboratory Corporation of America, LabCorp
Classification: Uncertain significance. Last evaluated: 2024-04-02. Review status: criteria provided, single submitter. Criteria: LabCorp Variant Classification Summary - May 2015. Collection method: clinical testing. Allele origin: germline.
Comment: Variant summary: LIFR c.3231_3232delTC (p.Pro1078X) results in a premature termination codon, predicted to cause a truncation of the encoded protein, however it is not expected to undergo nonsense mediated decay. The variant allele was found at a frequency of 8e-06 in 251308 control chromosomes. The available data on variant occurrences in the general population are insufficient to allow any conclusion about variant significance. To our knowledge, no occurrence of c.3231_3232delTC in individuals affected with Stuve-Wiedemann Syndrome and no experimental evidence demonstrating its impact on protein function have been reported. ClinVar contains an entry for this variant (Variation ID: 1356601). Based on the evidence outlined above, the variant was classified as uncertain significance.

Labcorp Genetics (formerly Invitae), Labcorp
Classification: Uncertain significance. Last evaluated: 2022-03-02. Review status: criteria provided, single submitter. Criteria: Invitae Variant Classification Sherloc (09022015). Collection method: clinical testing. Allele origin: germline.
Comment: In summary, the available evidence is currently insufficient to determine the role of this variant in disease. Therefore, it has been classified as a Variant of Uncertain Significance. Experimental studies and prediction algorithms are not available or were not evaluated, and the functional significance of this variant is currently unknown. This variant has not been reported in the literature in individuals affected with LIFR-related conditions. This variant is present in population databases (rs776513402, gnomAD 0.003%). This sequence change creates a premature translational stop signal (p.Pro1078*) in the LIFR gene. While this is not anticipated to result in nonsense mediated decay, it is expected to disrupt the last 20 amino acid(s) of the LIFR protein.